The following is an entry in ClinVar:

ClinVar aggregate classification (germline): Uncertain significance (1 of 4 stars; one submission).

Submission:

Mayo Clinic Laboratories, Mayo Clinic
Classification: Uncertain significance. Last evaluated: 2025-07-01. Review status: criteria provided, single submitter. Criteria: ACMG Guidelines, 2015. Collection method: clinical testing. Allele origin: germline. Observed: 1 variant allele.
Comment: PM2_supporting

NM_021830.5(TWNK):c.764G>T (p.Arg255Leu)

Gene: TWNK (twinkle mtDNA helicase; plus strand). Cytogenetic location: 10q24.31.
Variant type: single nucleotide variant.
Coding change: c.764G>T on transcript NM_021830.5 (MANE Select); coding-DNA position 764, G replaced by T.
Protein change: p.Arg255Leu; replaces arginine 255 with leucine.
Molecular consequence: missense variant. On other transcripts: non-coding transcript variant (4), intron variant (3).
Genome position (GRCh38, 1-based): chr10:100,988,974, G>T. VCF-style: chr10-100988974-G-T. GRCh37 (hg19) VCF-style: chr10-102748731-G-T.
Other names: p.Arg255Leu; c.764G>T, p.Arg255Leu (NM_001163812.2); c.-119-670G>T (NM_001163814.2, NM_001163813.2); c.-57-732G>T (NM_001368275.1); short protein forms R255L.
Identifiers: ClinVar variation 4541576 (VCV004541576.1).